The following is an entry in ClinVar:

NR_033294.2(SNORD118):n.126C>T

Genes: SNORD118 (small nucleolar RNA, C/D box 118; minus strand), TMEM107 (transmembrane protein 107; minus strand). Cytogenetic location: 17p13.1.
Variant type: single nucleotide variant.
Molecular consequence: non-coding transcript variant (on NR_033294.2). On other transcripts: 3 prime UTR variant (5).
Genome position: GRCh38 VCF-style: chr17-8173463-G-A. GRCh37 (hg19) VCF-style: chr17-8076781-G-A.
Other names: c.*740C>T (NM_001351278.2, NM_001351279.2, NM_001351280.2 and 2 more transcripts).
Identifiers: ClinVar variation 929269 (VCV000929269.6), dbSNP rs144429028, ClinGen allele CA8370580.

ClinVar aggregate classification (germline): Conflicting classifications of pathogenicity. Review status: criteria provided, conflicting classifications (1 of 4 stars). 4 submissions from 4 submitters: Likely pathogenic (1); Uncertain significance (2). 1 of the submissions does not count toward it. Last evaluated 2025-03-13.

Conditions:
Leukoencephalopathy with calcifications and cysts. Also called: LABRUNE SYNDROME; Leukoencephalopathy, brain calcifications, and cysts. Identifiers: Orphanet 542310, MedGen C3281200, MONDO:0013803, OMIM 614561.
SNORD118-related disorders.

Allele frequency attached by ClinVar (database versions not stated): TOPMed 0.00009; 1000 Genomes Project 30x 0.00016; 1000 Genomes Project 0.00020.
gnomAD v4.1: 83 of 764,164 alleles (0.011%); highest among the groups gnomAD compares: Middle Eastern, 0.027%; no homozygotes.

Submissions (4):

GeneDx
Classification: Uncertain significance. Last evaluated: 2025-03-13. Review status: criteria provided, single submitter. Criteria: GeneDx Variant Classification Process June 2021. Collection method: clinical testing. Allele origin: germline. Affected: yes.
Comment: Identified in the presence of a second SNORD118 variant, phase unknown, in patients with LCC in published literature (PMID: 34380746, 33029936, 27571260); Located in a non-coding RNA; In the absence of RNA/functional studies, the actual effect of this sequence change is unknown; This variant is associated with the following publications: (PMID: 33029936, 34380746, 27571260, 34220662)

Blueprint Genetics
Classification: Likely pathogenic for SNORD118-related disorders. Last evaluated: 2024-07-29. Review status: criteria provided, single submitter. Criteria: ACMG Guidelines, 2015. Collection method: clinical testing. Allele origin: germline. Affected: yes. Observed: 5 variant alleles.

Labcorp Genetics (formerly Invitae), Labcorp
Classification: Uncertain significance. Last evaluated: 2022-08-16. Review status: criteria provided, single submitter. Criteria: Invitae Variant Classification Sherloc (09022015). Collection method: clinical testing. Allele origin: germline.
Comment: In summary, the available evidence is currently insufficient to determine the role of this variant in disease. Therefore, it has been classified as a Variant of Uncertain Significance. Experimental studies and prediction algorithms are not available or were not evaluated, and the functional significance of this variant is currently unknown. ClinVar contains an entry for this variant (Variation ID: 929269). This variant has been observed in individual(s) with leukoencephalopathy with brain calcifications and cysts (PMID: 27571260). This variant is present in population databases (rs144429028, gnomAD 0.02%). This variant occurs in the SNORD118 gene, which encodes an RNA molecule that does not result in a protein product.

Laboratory of Neurogenetics and Neuroinflammation, Institut Imagine
Classification: Pathogenic for Leukoencephalopathy, brain calcifications, and cysts. Last evaluated: 2020-04-06. Review status: no assertion criteria provided. Collection method: clinical testing. Allele origin: germline. Affected: yes. Observed: 1 variant allele. Not counted in ClinVar's aggregate classification.

Literature cited by the submitters: PubMed 27571260 (cited by Labcorp Genetics (formerly Invitae), Labcorp).